The following is an entry in ClinVar:

ClinVar aggregate classification (germline): Uncertain significance (1 of 4 stars; one submission).

Conditions:
Hereditary cancer-predisposing syndrome. Also called: Neoplastic Syndromes, Hereditary; Tumor predisposition; Hereditary Cancer Syndrome; Hereditary neoplastic syndrome. Identifiers: Orphanet 140162, MedGen C0027672, MeSH D009386, MONDO:0015356.

Submission:

Ambry Genetics
Classification: Uncertain significance for Hereditary cancer-predisposing syndrome. Last evaluated: 2025-12-11. Review status: criteria provided, single submitter. Criteria: Ambry Variant Classification Scheme 2023. Collection method: clinical testing. Allele origin: germline.
Comment: The p.Q515H variant (also known as c.1545A>T), located in coding exon 10 of the KIT gene, results from an A to T substitution at nucleotide position 1545. The glutamine at codon 515 is replaced by histidine, an amino acid with highly similar properties. This amino acid position is not well conserved in available vertebrate species. In addition, this alteration is predicted to be tolerated by in silico analysis. Based on the available evidence, the clinical significance of this variant remains unclear.

NM_000222.3(KIT):c.1545A>T (p.Gln515His)

Gene: KIT (KIT proto-oncogene, receptor tyrosine kinase; plus strand). Cytogenetic location: 4q12.
Variant type: single nucleotide variant.
Coding change: c.1545A>T on transcript NM_000222.3 (MANE Select); coding-DNA position 1545, A replaced by T.
Protein change: p.Gln515His; replaces glutamine 515 with histidine.
Molecular consequence: missense variant.
Genome position (GRCh38, 1-based): chr4:54,727,222, A>T. VCF-style: chr4-54727222-A-T. GRCh37 (hg19) VCF-style: chr4-55593388-A-T.
Other names: c.1533A>T, p.Gln511His (NM_001093772.2, NM_001385286.1); c.1548A>T, p.Gln516His (NM_001385284.1, NM_001385290.1); c.1545A>T, p.Gln515His (NM_001385285.1); c.1536A>T, p.Gln512His (NM_001385288.1, NM_001385292.1); short protein forms Q516H, Q511H, Q512H, Q515H.
Identifiers: ClinVar variation 4645501 (VCV004645501.1).